The following is an entry in ClinVar:

ClinVar aggregate classification (germline): Uncertain significance (1 of 4 stars; one submission).

Allele frequency attached by ClinVar (database versions not stated): ExAC 0.00008; 1000 Genomes Project 30x 0.00016; 1000 Genomes Project 0.00020.

Submission:

Labcorp Genetics (formerly Invitae), Labcorp
Classification: Uncertain significance. Last evaluated: 2023-07-21. Review status: criteria provided, single submitter. Criteria: Invitae Variant Classification Sherloc (09022015). Collection method: clinical testing. Allele origin: germline.
Comment: This variant has not been reported in the literature in individuals affected with TNK2-related conditions. This variant is present in population databases (rs550521078, gnomAD 0.05%). This sequence change replaces arginine, which is basic and polar, with tryptophan, which is neutral and slightly polar, at codon 927 of the TNK2 protein (p.Arg927Trp). An algorithm developed to predict the effect of missense changes on protein structure and function (PolyPhen-2) suggests that this variant is likely to be disruptive. In summary, the available evidence is currently insufficient to determine the role of this variant in disease. Therefore, it has been classified as a Variant of Uncertain Significance.

NM_001382273.1(TNK2):c.2590C>T (p.Arg864Trp)

Gene: TNK2 (tyrosine kinase non receptor 2; minus strand). Cytogenetic location: 3q29.
Variant type: single nucleotide variant.
Coding change: c.2590C>T on transcript NM_001382273.1 (MANE Select); coding-DNA position 2590, C replaced by T.
Protein change: p.Arg864Trp; replaces arginine 864 with tryptophan.
Molecular consequence: missense variant. On other transcripts: non-coding transcript variant (15).
Genome position (GRCh38, 1-based): chr3:195,867,708, G>A on the plus strand (C>T on the coding strand, the complement: TNK2 is on the minus strand). VCF-style: chr3-195867708-G-A. GRCh37 (hg19) VCF-style: chr3-195594579-G-A.
Other names: c.2662C>T, p.Arg888Trp (NM_001010938.2, NM_001382272.1); c.2641C>T, p.Arg881Trp (NM_001308046.2, NM_001382271.1); c.2590C>T, p.Arg864Trp (NM_001382274.1, NM_001387716.1, NM_001387717.1 and 1 more transcripts); c.2686C>T, p.Arg896Trp (NM_001382275.1, NM_001387707.1); c.2545C>T, p.Arg849Trp (NM_001386164.1, NM_001387709.1, NM_001387710.1 and 8 more transcripts); c.2617C>T, p.Arg873Trp (NM_001387708.1, NM_001387715.1); short protein forms R864W, R873W, R849W, R881W, R888W, R896W.
Identifiers: ClinVar variation 2718513 (VCV002718513.3), dbSNP rs550521078, ClinGen allele CA2775871.
Genomic context (GRCh38, chr3:195,867,708, plus strand): 5'-GGTAGGATGGTCGCTCGGGCAGCAAGTAATAGTGGGTGCTGCTGACCTTCTTGCCATCCC[G>A]GACGATGGGCAGGATGCAGGGACCAGCCCGCGGGCCAGGGGCCTGGATCACCTGGGGGGT-3'
Protein context (NP_001369202.1, residues 854-874): RAGPCILPIV[Arg864Trp]DGKKVSSTHY